The following is an entry in ClinVar:

NM_001384474.1(LOXHD1):c.5346_5347del (p.Tyr1783fs)

Gene: LOXHD1 (lipoxygenase homology PLAT domains 1; minus strand). Cytogenetic location: 18q21.1.
Variant type: Microsatellite.
Coding change: c.5346_5347del on transcript NM_001384474.1 (MANE Select); coding-DNA positions 5346 to 5347, 2 bases deleted (CT; older notation c.5346_5347delCT).
Protein change: p.Tyr1783fs; shifts the reading frame from tyrosine 1783.
Molecular consequence: frameshift variant.
Genome position (GRCh38, 1-based): chr18:46,518,181-46,518,182, AG deleted on the plus strand (CT on the coding strand, the reverse complement: LOXHD1 is on the minus strand); deleting any 2 consecutive bases within chr18:46,518,181-46,518,184 gives the same sequence; the c. name uses the placement nearest the transcript's 3' end. VCF-style (leftmost placement, unchanged base first): chr18-46518180-TAG-T. GRCh37 (hg19) VCF-style: chr18-44098143-TAG-T.
Other names: c.2013_2014del, p.Tyr672fs (NM_001145472.3); c.63_64del, p.Tyr22fs (NM_001145473.3, NM_001173129.2); c.1725_1726del, p.Tyr576fs (NM_001308013.2); c.5160_5161del, p.Tyr1721fs (NM_144612.7); short protein forms Y672fs, Y576fs, Y1721fs, Y1783fs, Y22fs.
Identifiers: ClinVar variation 2815835 (VCV002815835.3), dbSNP rs2511569016, ClinGen allele CA2739268701.
Genomic context (GRCh38, chr18:46,518,180, plus strand): 5'-TCCAGGTACCTGGCTTTCTTTTTGTCCAGCTGCATCTCCTCTGTGCTCCCGTTGATGCCG[TAG>T]AGGGTCATGAAGATGTTGGAGTCAGTGCCCCCGCCAACCACATCCCCTGTCCACACCGTC-3'

ClinVar aggregate classification (germline): Pathogenic (1 of 4 stars; one submission).

Submission:

Labcorp Genetics (formerly Invitae), Labcorp
Classification: Pathogenic. Last evaluated: 2022-11-23. Review status: criteria provided, single submitter. Criteria: Invitae Variant Classification Sherloc (09022015). Collection method: clinical testing. Allele origin: germline.
Comment: This sequence change creates a premature translational stop signal (p.Tyr1721Argfs*19) in the LOXHD1 gene. It is expected to result in an absent or disrupted protein product. Loss-of-function variants in LOXHD1 are known to be pathogenic (PMID: 19732867, 21465660, 25792669). This variant is not present in population databases (gnomAD no frequency). This variant has not been reported in the literature in individuals affected with LOXHD1-related conditions. For these reasons, this variant has been classified as Pathogenic.

Literature cited by the submitters: PubMed 19732867; PubMed 21465660; PubMed 25792669.